The following is an entry in ClinVar:

NM_001374736.1(DST):c.19824G>A (p.Glu6608=)

Gene: DST (dystonin; minus strand). Cytogenetic location: 6p12.1.
Variant type: single nucleotide variant.
Coding change: c.19824G>A on transcript NM_001374736.1 (MANE Select); coding-DNA position 19824, G replaced by A.
Protein change: p.Glu6608=; no amino-acid change (glutamic acid 6608 retained).
Molecular consequence: synonymous variant.
Genome position (GRCh38, 1-based): chr6:56,501,152, C>T on the plus strand (G>A on the coding strand, the complement: DST is on the minus strand). VCF-style: chr6-56501152-C-T. GRCh37 (hg19) VCF-style: chr6-56365950-C-T.
Other names: c.13467G>A, p.Glu4489= (NM_001144769.5); c.13053G>A, p.Glu4351= (NM_001144770.2); c.19824G>A, p.Glu6608= (NM_001374722.1); c.18864G>A, p.Glu6288= (NM_001374729.1); c.12606G>A, p.Glu4202= (NM_001374730.1); c.19851G>A, p.Glu6617= (NM_001374734.1); c.12933G>A, p.Glu4311= (NM_001386100.1, NM_183380.4); c.11955G>A, p.Glu3985= (NM_015548.5).
Identifiers: ClinVar variation 2146780 (VCV002146780.1), dbSNP rs767030375, ClinGen allele CA3866908.

ClinVar aggregate classification (germline): Uncertain significance (1 of 4 stars; one submission).

Conditions:
Hereditary sensory and autonomic neuropathy type 6. Also called: Neuropathy, hereditary sensory and autonomic, type VI; HSAN VI. Identifiers: Orphanet 314381, MedGen C3539003, MONDO:0013839, OMIM 614653.
Epidermolysis bullosa simplex 3, localized or generalized intermediate, with BP230 deficiency (EBS3). Also called: Epidermolysis bullosa simplex due to BP230 deficiency; Epidermolysis bullosa simplex, autosomal recessive 2. Identifiers: Orphanet 412181, MedGen C3809470, MONDO:0014180, OMIM 615425.

Allele frequency attached by ClinVar (database versions not stated): ExAC 0.00002; gnomAD 0.00002.
gnomAD v4.1: 170 of 1,612,594 alleles (0.011%); highest among the groups gnomAD compares: Non-Finnish European, 0.014%; no homozygotes.

Submission:

Labcorp Genetics (formerly Invitae), Labcorp
Classification: Uncertain significance for Epidermolysis bullosa simplex 3, localized or generalized intermediate, with BP230 deficiency; Hereditary sensory and autonomic neuropathy type 6. Last evaluated: 2022-05-02. Review status: criteria provided, single submitter. Criteria: Invitae Variant Classification Sherloc (09022015). Collection method: clinical testing. Allele origin: germline.
Comment: The DST gene has multiple clinically relevant transcripts. This variant occurs in alternate transcript NM_015548.4, and corresponds to NM_001723.5:c.*114365G>A in the primary transcript. This sequence change affects codon 3985 of the DST mRNA. It is a 'silent' change, meaning that it does not change the encoded amino acid sequence of the DST protein. This variant is present in population databases (rs767030375, gnomAD 0.004%). This variant has not been reported in the literature in individuals affected with DST-related conditions. Experimental studies and prediction algorithms are not available or were not evaluated, and the effect of this variant on mRNA splicing is currently unknown. In summary, the available evidence is currently insufficient to determine the role of this variant in disease. Therefore, it has been classified as a Variant of Uncertain Significance.